The following is an entry in ClinVar:

ClinVar aggregate classification (germline): Uncertain significance (1 of 4 stars; one submission).

Conditions:
Hypercholesterolemia, autosomal dominant, type B (FHCL2). Also called: APOB-Related Familial Hypercholesterolemia, Autosomal Dominant; Familial Hypercholesterolemia Type B; APOLIPOPROTEIN B-100, FAMILIAL DEFECTIVE; APOLIPOPROTEIN B-100, FAMILIAL LIGAND-DEFECTIVE; HYPERCHOLESTEROLEMIA, FAMILIAL, DUE TO LIGAND-DEFECTIVE APOLIPOPROTEIN B; Hyperlipoproteinemia Type IIb. Identifiers: MedGen C1704417, MONDO:0007751, OMIM 144010.
Familial hypobetalipoproteinemia 1. Also called: Hypobetalipoproteinemia, normotriglyceridemic; Acanthocytosis with hypobetalipoproteinemia; APOB-Related Familial Hypobetalipoproteinemia. Identifiers: MedGen C4551990, MONDO:0014252, OMIM 615558.

Submission:

Labcorp Genetics (formerly Invitae), Labcorp
Classification: Uncertain significance for Familial hypobetalipoproteinemia 1; Hypercholesterolemia, autosomal dominant, type B. Last evaluated: 2023-11-06. Review status: criteria provided, single submitter. Criteria: Invitae Variant Classification Sherloc (09022015). Collection method: clinical testing. Allele origin: germline.
Comment: This sequence change replaces alanine, which is neutral and non-polar, with phenylalanine, which is neutral and non-polar, at codon 1857 of the APOB protein (p.Ala1857Phe). Information on the frequency of this variant in the gnomAD database is not available, as this variant may be reported differently in the database. This variant has not been reported in the literature in individuals affected with APOB-related conditions. An algorithm developed to predict the effect of missense changes on protein structure and function (PolyPhen-2) suggests that this variant is likely to be disruptive. In summary, the available evidence is currently insufficient to determine the role of this variant in disease. Therefore, it has been classified as a Variant of Uncertain Significance.

NM_000384.3(APOB):c.5569_5570delinsTT (p.Ala1857Phe)

Gene: APOB (apolipoprotein B; minus strand). Cytogenetic location: 2p24.1.
Variant type: Indel.
Coding change: c.5569_5570delinsTT on transcript NM_000384.3 (MANE Select); coding-DNA positions 5569 to 5570, GC replaced by TT.
Protein change: p.Ala1857Phe; replaces alanine 1857 with phenylalanine.
Molecular consequence: missense variant.
Genome position (GRCh38, 1-based): chr2:21,011,298-21,011,299, GC replaced by AA on the plus strand (GC replaced by TT on the coding strand, the reverse complement: APOB is on the minus strand). VCF-style: chr2-21011298-GC-AA. GRCh37 (hg19) VCF-style: chr2-21234170-GC-AA.
Other names: short protein forms A1857F.
Identifiers: ClinVar variation 2952196 (VCV002952196.3), dbSNP rs2465374381, ClinGen allele CA2740092728.